The following is an entry in ClinVar:

NM_000520.6(HEXA):c.1511G>A (p.Arg504His)

Gene: HEXA (hexosaminidase subunit alpha; minus strand). Cytogenetic location: 15q23.
Variant type: single nucleotide variant.
Coding change: c.1511G>A on transcript NM_000520.6 (MANE Select); coding-DNA position 1511, G replaced by A.
Protein change: p.Arg504His; replaces arginine 504 with histidine.
Molecular consequence: missense variant. On other transcripts: non-coding transcript variant (1).
Genome position (GRCh38, 1-based): chr15:72,345,461, C>T on the plus strand (G>A on the coding strand, the complement: HEXA is on the minus strand). VCF-style: chr15-72345461-C-T. GRCh37 (hg19) VCF-style: chr15-72637802-C-T.
Other names: c.1544G>A, p.Arg515His (NM_001318825.2); short protein forms R504H, R515H.
Identifiers: ClinVar variation 3895 (VCV000003895.25), dbSNP rs121907955, ClinGen allele CA116497.

ClinVar aggregate classification (germline): Pathogenic/Likely pathogenic. Review status: criteria provided, multiple submitters, no conflicts (2 of 4 stars). 9 submissions from 9 submitters: Pathogenic (6); Likely pathogenic (1). 2 of the submissions do not count toward it. Last evaluated 2025-11-11.

Conditions:
Tay-Sachs disease (TSD). Also called: GM2 gangliosidosis, type 1; Hexosaminidase alpha-subunit deficiency (variant B); Sphingolipidosis, Tay-Sachs; Hexosaminidase A Deficiency; HEXA Disorders; HEXA DEFICIENCY. Identifiers: Orphanet 845, MedGen C0039373, MONDO:0010100, OMIM 272800.
GM2-GANGLIOSIDOSIS, JUVENILE. Identifiers: MedGen C0268276.

Allele frequency attached by ClinVar (database versions not stated): gnomAD 0.00002; TOPMed 0.00001.

Submissions (9):

Labcorp Genetics (formerly Invitae), Labcorp
Classification: Pathogenic for Tay-Sachs disease. Last evaluated: 2025-11-11. Review status: criteria provided, single submitter. Criteria: Invitae Variant Classification Sherloc (09022015). Collection method: clinical testing. Allele origin: germline.
Comment: This sequence change replaces arginine, which is basic and polar, with histidine, which is basic and polar, at codon 504 of the HEXA protein (p.Arg504His). This variant is present in population databases (rs121907955, gnomAD 0.004%). This missense change has been observed in individuals with Tay–Sachs disease (PMID: 2140574, 8044648, 16088929, 21567908). ClinVar contains an entry for this variant (Variation ID: 3895). Invitae Evidence Modeling of protein sequence and biophysical properties (such as structural, functional, and spatial information, amino acid conservation, physicochemical variation, residue mobility, and thermodynamic stability) indicates that this missense variant is expected to disrupt HEXA protein function with a positive predictive value of 95%. This variant disrupts the p.Arg504 amino acid residue in HEXA. Other variant(s) that disrupt this residue have been determined to be pathogenic (PMID: 1837283, 19091716, 25860343). This suggests that this residue is clinically significant, and that variants that disrupt this residue are likely to be disease-causing. For these reasons, this variant has been classified as Pathogenic.

Natera, Inc.
Classification: Pathogenic for Tay-Sachs disease. Last evaluated: 2025-08-01. Review status: criteria provided, single submitter. Criteria: Natera Variant Classification Schema (03/2026). Collection method: clinical testing. Allele origin: germline.
Comment: The c.1511G>A variant in HEXA is a missense variant predicted to cause substitution of arginine to histidine at amino acid 504. This variant is rare in the general population with a frequency below the threshold expected for the associated phenotype(s). This variant has been observed in one or more individuals affected with the associated recessive disease, as either homozygous or compound heterozygous with a second variant (PMID: 21567908, 20100466, 7837766, 7858168). Computational prediction algorithms indicate this variant is likely to affect gene or protein function. Given the available evidence, this variant is classified as Pathogenic.

Genomic Medicine Center of Excellence, King Faisal Specialist Hospital and Research Centre
Classification: Pathogenic for Tay-Sachs disease. Last evaluated: 2024-03-17. Review status: criteria provided, single submitter. Criteria: ACMG Guidelines, 2015. Collection method: research. Allele origin: germline.

GeneDx
Classification: Pathogenic. Last evaluated: 2023-06-01. Review status: criteria provided, single submitter. Criteria: GeneDx Variant Classification Process June 2021. Collection method: clinical testing. Allele origin: germline. Affected: yes.
Comment: Published studies of protein synthesis in fibroblasts from a homozygous patient suggest that this variant causes impaired protein maturation (Paw et al., 1990); Not observed at significant frequency in large population cohorts (gnomAD); In silico analysis supports that this missense variant has a deleterious effect on protein structure/function; This variant is associated with the following publications: (PMID: 18490185, 7837766, 1996872, 16088929, 14577003, 29482223, 2140574, 21567908, 20100466, 33240792, 35693683, 36907859, 35936646)

Women's Health and Genetics/Laboratory Corporation of America, LabCorp
Classification: Pathogenic for Tay-Sachs disease. Last evaluated: 2021-12-02. Review status: criteria provided, single submitter. Criteria: LabCorp Variant Classification Summary - May 2015. Collection method: clinical testing. Allele origin: germline.
Comment: Variant summary: HEXA c.1511G>A (p.Arg504His) results in a non-conservative amino acid change in the encoded protein sequence. Five of five in-silico tools predict a damaging effect of the variant on protein function. The variant allele was found at a frequency of 3.5e-06 in 282952 control chromosomes (gnomAD and publication data). c.1511G>A has been reported in the literature in multiple individuals affected with Tay-Sachs Disease, including homozygotes (Paw_1990, Tanaka_1994, Coutelier_2018, King_2020). These data indicate that the variant is very likely to be associated with disease. Additionally, other variants (p.R504C, p.R504L) that disrupt the p.Arg504 amino acid residue in HEAX have been observed in affected individuals (Ohno_2008, PMID: 22441121). This suggests that it is a clinically significant residue, and that other variants that disrupt this residue are likely to be causative of disease. To our knowledge, no experimental evidence demonstrating an impact on protein function has been reported. Three ClinVar submitters (evaluation after 2014) cite the variant as pathogenic (n=1) and likely pathogenic (n=2). Based on the evidence outlined above, the variant was classified as pathogenic.

Quest Diagnostics Nichols Institute San Juan Capistrano
Classification: Pathogenic. Last evaluated: 2020-09-25. Review status: criteria provided, single submitter. Criteria: Quest Diagnostics criteria. Collection method: clinical testing. Allele origin: unknown.
Comment: In the published literature, this variant has been shown to negatively impact protein structure and function (PMIDs: 1827944 (1991), 16698036 (2006), and 18490185 (2008)). The variant occurs in multiple cases with a lone recessive pathogenic/likely pathogenic variant in the same gene, and several have a phenotype known to be consistent with disease. Additionally, this variant has been identified in individuals with Tay-Sachs disease who were found to have a second HEXA disease-causing variant (PMIDs: 2140574 (1990), 1996872 (1991), 8044648 (1993), 7837766 (1994), 16088929 (2005), 20100466 (2010), 21567908 (2011), and 29482223 (2018)).

Genomic Research Center, Shahid Beheshti University of Medical Sciences
Classification: Likely pathogenic for Tay-Sachs disease. Last evaluated: 2018-08-07. Review status: criteria provided, single submitter. Criteria: ACMG Guidelines, 2015. Collection method: clinical testing. Allele origin: inherited. Affected: yes. Observed: 1 variant allele.

Counsyl
Classification: Likely pathogenic for Tay-Sachs disease. Last evaluated: 2016-02-12. Review status: no assertion criteria provided. Collection method: clinical testing. Allele origin: unknown. Not counted in ClinVar's aggregate classification.

OMIM
Classification: Pathogenic for GM2-GANGLIOSIDOSIS, JUVENILE. Last evaluated: 1991-01-01. Review status: no assertion criteria provided. Collection method: literature only. Allele origin: germline. Not counted in ClinVar's aggregate classification.

Literature cited by the submitters: PubMed 2140574 (cited by 5 submitters); PubMed 8044648 (cited by Labcorp Genetics (formerly Invitae), Labcorp); PubMed 16088929 (cited by Labcorp Genetics (formerly Invitae), Labcorp and Counsyl); PubMed 21567908 (cited by 3 submitters); PubMed 1837283 (cited by Labcorp Genetics (formerly Invitae), Labcorp); PubMed 19091716 (cited by Labcorp Genetics (formerly Invitae), Labcorp); PubMed 25860343 (cited by Labcorp Genetics (formerly Invitae), Labcorp); PubMed 20100466 (cited by 3 submitters); PubMed 7837766 (cited by 4 submitters); PubMed 7858168 (cited by Natera, Inc.); PubMed 18490185 (cited by 3 submitters); PubMed 29482223 (cited by Women's Health and Genetics/Laboratory Corporation of America, LabCorp); PubMed 33240792 (cited by Women's Health and Genetics/Laboratory Corporation of America, LabCorp); PubMed 16698036 (cited by Quest Diagnostics Nichols Institute San Juan Capistrano and Counsyl); PubMed 1827944 (cited by Quest Diagnostics Nichols Institute San Juan Capistrano and Counsyl); PubMed 1996872 (cited by OMIM).